The following is an entry in ClinVar:

NM_002143.3(HPCA):c.514G>A (p.Gly172Arg)

Gene: HPCA (hippocalcin; plus strand). Cytogenetic location: 1p35.1.
Variant type: single nucleotide variant.
Coding change: c.514G>A on transcript NM_002143.3 (MANE Select); coding-DNA position 514, G replaced by A.
Protein change: p.Gly172Arg; replaces glycine 172 with arginine.
Molecular consequence: missense variant.
Genome position (GRCh38, 1-based): chr1:32,893,794, G>A. VCF-style: chr1-32893794-G-A. GRCh37 (hg19) VCF-style: chr1-33359395-G-A.
Other names: short protein forms G172R.
Identifiers: ClinVar variation 3362294 (VCV003362294.3).

ClinVar aggregate classification (germline): Uncertain significance (1 of 4 stars; one submission).

Conditions:
Torsion dystonia 2 (DYT2). Identifiers: Orphanet 99657, MedGen C1857093, MONDO:0009141, OMIM 224500.

Submission:

Neuberg Centre For Genomic Medicine, NCGM
Classification: Uncertain significance for Torsion dystonia 2. Last evaluated: 2023-06-02. Review status: criteria provided, single submitter. Criteria: ACMG Guidelines, 2015. Collection method: clinical testing. Allele origin: germline. Inheritance: Autosomal recessive inheritance. Affected: yes.
Comment: The observed missense variant c.514G>A(p.Gly172Arg) in HPCA gene has not been reported previously as a pathogenic variant nor as a benign variant, to our knowledge. The (p.Gly172Arg) variant is absent in gnomAD Exomes. The amino acid Glycine at position 172 is changed to a Arginine changing protein sequence and it might alter its composition and physico-chemical properties. Multiple lines of computational evidence (Polyphen-probably damaging, SIFT-Damaging and Mutation Taster-disease causing) predict a damaging effect on protein structure and function for this variant. The reference amino acid p.Gly172Arg in HPCA is predicted as conserved by GERP++ and PhyloP across 100 vertebrates. For these reasons, this variant has been classified as Uncertain Significance.